The following is an entry in ClinVar:

ClinVar aggregate classification (germline): Pathogenic. Review status: criteria provided, multiple submitters, no conflicts (2 of 4 stars). 2 submissions from 2 submitters: Pathogenic (2). Last evaluated 2023-06-09.

Conditions:
RHO-related disorder. Also called: RHO-related condition.

Submissions (2):

Labcorp Genetics (formerly Invitae), Labcorp
Classification: Pathogenic. Last evaluated: 2023-06-09. Review status: criteria provided, single submitter. Criteria: Invitae Variant Classification Sherloc (09022015). Collection method: clinical testing. Allele origin: germline.
Comment: For these reasons, this variant has been classified as Pathogenic. Variants that disrupt the consensus splice site are a relatively common cause of aberrant splicing (PMID: 17576681, 9536098). Algorithms developed to predict the effect of sequence changes on RNA splicing suggest that this variant may disrupt the consensus splice site. This variant is also known as G to A substitution at the 3' acceptor site of intron 4 . Disruption of this splice site has been observed in individuals with autosomal dominant retinitis pigmentosa (PMID: 7819178, 28045043). It has also been observed to segregate with disease in related individuals. This variant is not present in population databases (gnomAD no frequency). This sequence change affects an acceptor splice site in intron 4 of the RHO gene. While this variant is not anticipated to result in nonsense mediated decay, it likely alters RNA splicing and results in a disrupted protein product.

Blueprint Genetics
Classification: Pathogenic for RHO-related disorders. Last evaluated: 2022-11-09. Review status: criteria provided, single submitter. Criteria: ACMG Guidelines, 2015. Collection method: clinical testing. Allele origin: germline. Affected: yes. Observed: 5 variant alleles.

Literature cited by the submitters: PubMed 17576681 (cited by Labcorp Genetics (formerly Invitae), Labcorp); PubMed 9536098 (cited by Labcorp Genetics (formerly Invitae), Labcorp); PubMed 7819178 (cited by Labcorp Genetics (formerly Invitae), Labcorp); PubMed 28045043 (cited by Labcorp Genetics (formerly Invitae), Labcorp).

NM_000539.3(RHO):c.937-1G>A

Gene: RHO (rhodopsin; plus strand). Cytogenetic location: 3q22.1.
Variant type: single nucleotide variant.
Coding change: c.937-1G>A on transcript NM_000539.3 (MANE Select); the canonical splice acceptor site of the intron before coding-DNA position 937, G replaced by A.
Molecular consequence: splice acceptor variant.
Genome position (GRCh38, 1-based): chr3:129,533,607, G>A. VCF-style: chr3-129533607-G-A. GRCh37 (hg19) VCF-style: chr3-129252450-G-A.
Identifiers: ClinVar variation 2734566 (VCV002734566.5), dbSNP rs2084800561, ClinGen allele CA354471065.